The following is an entry in ClinVar:

NM_001267550.2(TTN):c.54153dup (p.Gly18052fs)

Genes: TTN (titin; minus strand), TTN-AS1 (TTN antisense RNA 1; plus strand). Cytogenetic location: 2q31.2.
Variant type: Duplication.
Coding change: c.54153dup on transcript NM_001267550.2 (MANE Select); coding-DNA position 54153, one base duplicated (T; older notation c.54153dupT).
Protein change: p.Gly18052fs; shifts the reading frame from glycine 18052.
Molecular consequence: frameshift variant. On other transcripts: non-coding transcript variant (1).
Genome position (GRCh38, 1-based): chr2:178,605,024, A duplicated on the plus strand (T on the coding strand, the reverse complement: TTN is on the minus strand); the first of 2 consecutive A bases (chr2:178,605,024-178,605,025); duplicating either gives the same sequence. VCF-style (leftmost placement, unchanged base first): chr2-178605023-C-CA. GRCh37 (hg19) VCF-style: chr2-179469750-C-CA.
Other names: c.49230dup, p.Gly16411fs (NM_001256850.1); c.26958dup, p.Gly8987fs (NM_003319.4); c.46449dup, p.Gly15484fs (NM_133378.4); c.27333dup, p.Gly9112fs (NM_133432.3); c.27534dup, p.Gly9179fs (NM_133437.4); short protein forms G15484fs, G16411fs, G18052fs, G8987fs, G9112fs, G9179fs.
Identifiers: ClinVar variation 3755055 (VCV003755055.2).

ClinVar aggregate classification (germline): Likely pathogenic (1 of 4 stars; one submission).

Conditions:
Dilated cardiomyopathy 1G (CMD1G). Identifiers: Orphanet 154, MedGen C1858763, MONDO:0011400, OMIM 604145.
Autosomal recessive limb-girdle muscular dystrophy type 2J (LGMDR10). Also called: Limb-girdle muscular dystrophy, type 2J; MUSCULAR DYSTROPHY, LIMB-GIRDLE, AUTOSOMAL RECESSIVE 10. Identifiers: Orphanet 140922, MedGen C1837342, MONDO:0012127, OMIM 608807.

Submission:

Labcorp Genetics (formerly Invitae), Labcorp
Classification: Likely pathogenic for Dilated cardiomyopathy 1G; Autosomal recessive limb-girdle muscular dystrophy type 2J. Last evaluated: 2025-02-19. Review status: criteria provided, single submitter. Criteria: Invitae Variant Classification Sherloc (09022015). Collection method: clinical testing. Allele origin: germline.
Comment: This sequence change creates a premature translational stop signal (p.Gly18052Trpfs*10) in the TTN gene. While this is not anticipated to result in nonsense mediated decay, it is expected to create a truncated TTN protein. This variant is not present in population databases (gnomAD no frequency). This variant has not been reported in the literature in individuals affected with TTN-related conditions. This variant is located in the A band of TTN (PMID: 25589632). Truncating variants in this region are significantly overrepresented in patients affected with dilated cardiomyopathy (PMID: 25589632). Truncating variants in this region have also been reported in individuals affected with autosomal recessive centronuclear myopathy (PMID: 23975875). In summary, the currently available evidence indicates that the variant is pathogenic, but additional data are needed to prove that conclusively. Therefore, this variant has been classified as Likely Pathogenic.

Literature cited by the submitters: PubMed 25589632; PubMed 23975875.